The following is an entry in ClinVar:

ClinVar aggregate classification (germline): Uncertain significance (1 of 4 stars; one submission).

Conditions:
Tuberous sclerosis 1 (TSC1). Identifiers: Orphanet 805, MedGen C1854465, MONDO:0008612, OMIM 191100.

Allele frequency attached by ClinVar (database versions not stated): gnomAD exomes below 0.00001.
gnomAD v4.1: 1 of 1,614,230 alleles (0.000062%); highest among the groups gnomAD compares: Non-Finnish European, 0.000085%; no homozygotes.

Submission:

Labcorp Genetics (formerly Invitae), Labcorp
Classification: Uncertain significance for Tuberous sclerosis 1. Last evaluated: 2020-11-19. Review status: criteria provided, single submitter. Criteria: Invitae Variant Classification Sherloc (09022015). Collection method: clinical testing. Allele origin: germline.
Comment: This sequence change replaces alanine with threonine at codon 1072 of the TSC1 protein (p.Ala1072Thr). The alanine residue is weakly conserved and there is a small physicochemical difference between alanine and threonine. This variant is not present in population databases (ExAC no frequency). This variant has not been reported in the literature in individuals with TSC1-related conditions. Algorithms developed to predict the effect of missense changes on protein structure and function output the following: SIFT: "Tolerated"; PolyPhen-2: "Benign"; Align-GVGD: "Class C0". The threonine amino acid residue is found in multiple mammalian species, suggesting that this missense change does not adversely affect protein function. These predictions have not been confirmed by published functional studies and their clinical significance is uncertain. In summary, the available evidence is currently insufficient to determine the role of this variant in disease. Therefore, it has been classified as a Variant of Uncertain Significance.

NM_000368.5(TSC1):c.3214G>A (p.Ala1072Thr)

Gene: TSC1 (TSC complex subunit 1; minus strand). Cytogenetic location: 9q34.13.
Variant type: single nucleotide variant.
Coding change: c.3214G>A on transcript NM_000368.5 (MANE Select); coding-DNA position 3214, G replaced by A.
Protein change: p.Ala1072Thr; replaces alanine 1072 with threonine.
Molecular consequence: missense variant.
Genome position (GRCh38, 1-based): chr9:132,896,516, C>T on the plus strand (G>A on the coding strand, the complement: TSC1 is on the minus strand). VCF-style: chr9-132896516-C-T. GRCh37 (hg19) VCF-style: chr9-135771903-C-T.
Other names: c.3211G>A, p.Ala1071Thr (NM_001162426.2); c.3061G>A, p.Ala1021Thr (NM_001162427.2); c.2851G>A, p.Ala951Thr (NM_001362177.2); short protein forms A1021T, A1072T, A951T, A1071T.
Identifiers: ClinVar variation 1349391 (VCV001349391.8), dbSNP rs1845060154, ClinGen allele CA375366993.